The following is an entry in ClinVar:

ClinVar aggregate classification (germline): Uncertain significance (1 of 4 stars; one submission).

Conditions:
Retinoblastoma (RB1). Also called: RETINOBLASTOMA, SOMATIC. Identifiers: Orphanet 790, MedGen C0035335, MeSH D012175, MONDO:0008380, OMIM 180200, HP:0009919. Disease mechanism: loss of function. Inheritance: Both sporadic and heritable forms are tested..

Submission:

Labcorp Genetics (formerly Invitae), Labcorp
Classification: Uncertain significance for Retinoblastoma. Last evaluated: 2024-02-17. Review status: criteria provided, single submitter. Criteria: Invitae Variant Classification Sherloc (09022015). Collection method: clinical testing. Allele origin: germline.
Comment: This sequence change replaces glutamine, which is neutral and polar, with lysine, which is basic and polar, at codon 689 of the RB1 protein (p.Gln689Lys). This variant is not present in population databases (gnomAD no frequency). This variant has not been reported in the literature in individuals affected with RB1-related conditions. Advanced modeling of protein sequence and biophysical properties (such as structural, functional, and spatial information, amino acid conservation, physicochemical variation, residue mobility, and thermodynamic stability) performed at Invitae indicates that this missense variant is not expected to disrupt RB1 protein function with a negative predictive value of 80%. In summary, the available evidence is currently insufficient to determine the role of this variant in disease. Therefore, it has been classified as a Variant of Uncertain Significance.

NM_000321.3(RB1):c.2065C>A (p.Gln689Lys)

Gene: RB1 (RB transcriptional corepressor 1; plus strand). Cytogenetic location: 13q14.2.
Variant type: single nucleotide variant.
Coding change: c.2065C>A on transcript NM_000321.3 (MANE Select); coding-DNA position 2065, C replaced by A.
Protein change: p.Gln689Lys; replaces glutamine 689 with lysine.
Molecular consequence: missense variant.
Genome position (GRCh38, 1-based): chr13:48,459,792, C>A. VCF-style: chr13-48459792-C-A. GRCh37 (hg19) VCF-style: chr13-49033928-C-A.
Other names: c.2065C>A, p.Gln689Lys (NM_001407165.1); short protein forms Q689K.
Identifiers: ClinVar variation 3641491 (VCV003641491.2).
Genomic context (GRCh38, chr13:48,459,792, plus strand): 5'-CTTCTGTCTGAGCACCCAGAATTAGAACATATCATCTGGACCCTTTTCCAGCACACCCTG[C>A]AGAATGAGTATGAACTCATGAGAGACAGGCATTTGGACCAAGTAAGAAAATCAAGCACTT-3'
Protein context (NP_000312.2, residues 679-699): IIWTLFQHTL[Gln689Lys]NEYELMRDRH